The following is an entry in ClinVar:

NM_001377304.1(GFI1B):c.568C>T (p.Arg190Trp)

Gene: GFI1B (growth factor independent 1B transcriptional repressor; plus strand). Cytogenetic location: 9q34.13.
Variant type: single nucleotide variant.
Coding change: c.568C>T on transcript NM_001377304.1 (MANE Select); coding-DNA position 568, C replaced by T.
Protein change: p.Arg190Trp; replaces arginine 190 with tryptophan.
Molecular consequence: missense variant. On other transcripts: intron variant (2).
Genome position (GRCh38, 1-based): chr9:132,989,118, C>T. VCF-style: chr9-132989118-C-T. GRCh37 (hg19) VCF-style: chr9-135864505-C-T.
Other names: c.568C>T (NM_004188.7, NM_004188.6); c.568C>T, p.Arg190Trp (NM_001371908.1, NM_004188.8); c.511-624C>T (NM_001135031.2, NM_001377305.1); short protein forms R190W.
Identifiers: ClinVar variation 417959 (VCV000417959.5), dbSNP rs144046935, ClinGen allele CA5301997.

ClinVar aggregate classification (germline): Uncertain significance. Review status: criteria provided, multiple submitters, no conflicts (2 of 4 stars). 4 submissions from 4 submitters: Uncertain significance (2). 2 of the submissions do not count toward it. Last evaluated 2024-10-07.

Conditions:
Platelet-type bleeding disorder 17 (BDPLT17). Also called: Thrombasthenia-thrombocytopenia, hereditary. Identifiers: Orphanet 721, MedGen C1861194, MONDO:0008553, OMIM 187900.
GFI1B-related disorder. Also called: GFI1B-related condition.

Allele frequency attached by ClinVar (database versions not stated): gnomAD 0.00002 and 0.00006; gnomAD exomes 0.00006 and 0.00014; ESP Exome Variant Server 0.00008; TOPMed 0.00008; ExAC 0.00014; 1000 Genomes Project 30x 0.00031; 1000 Genomes Project 0.00040.
gnomAD v4.1: 94 of 1,613,836 alleles (0.0058%); highest among the groups gnomAD compares: South Asian, 0.053%; 1 homozygote.

Submissions (4):

Blueprint Genetics
Classification: Uncertain significance. Last evaluated: 2024-10-07. Review status: criteria provided, single submitter. Criteria: ACMG Guidelines, 2015. Collection method: clinical testing. Allele origin: germline.

Baylor Genetics
Classification: Uncertain significance for Platelet-type bleeding disorder 17. Last evaluated: 2021-05-07. Review status: criteria provided, single submitter. Criteria: ACMG Guidelines, 2015. Collection method: clinical testing. Allele origin: unknown.

PreventionGenetics, part of Exact Sciences
Classification: Uncertain significance for GFI1B-related condition. Last evaluated: 2024-03-13. Review status: no assertion criteria provided. Collection method: clinical testing. Allele origin: germline. Not counted in ClinVar's aggregate classification.
Comment: The GFI1B c.568C>T variant is predicted to result in the amino acid substitution p.Arg190Trp. This variant has been reported in the heterozygous state in patients with bleeding and platelet disorders (van Oorschot, et al. 2019. PubMed ID: 30573501). However, this variant did not co-segregate with bleeding in all carriers, and functional studies showed a much weaker effect from p.Arg190Trp than other known pathogenic GFI1B variants. This variant was found to have a statistical significant associated with mean platelet thrombocyte volume in a large association study (Backman et al. 2021. PubMed ID: 34662886, Supplementary Data 2). This variant is reported in 0.065% of alleles in individuals of South Asian descent in gnomAD. At this time, the clinical significance of this variant is uncertain due to the absence of conclusive functional and genetic evidence.

Division of Human Genetics, Children's Hospital of Philadelphia
Classification: Uncertain significance for Platelet-type bleeding disorder 17. Last evaluated: 2016-08-13. Review status: no assertion criteria provided. Collection method: research. Allele origin: maternal. Affected: yes. Study: CSER-PediSeq. Not counted in ClinVar's aggregate classification.